The following is an entry in ClinVar:

NM_001128922.2(LRRC32):c.1526A>G (p.Asp509Gly)

Genes: LRRC32 (leucine rich repeat containing 32; minus strand), LRRC32-AS1 (LRRC32 antisense RNA 1; plus strand). Cytogenetic location: 11q13.5.
Variant type: single nucleotide variant.
Coding change: c.1526A>G on transcript NM_001128922.2 (MANE Select); coding-DNA position 1526, A replaced by G.
Protein change: p.Asp509Gly; replaces aspartic acid 509 with glycine.
Molecular consequence: missense variant. On other transcripts: non-coding transcript variant (1), intron variant (1).
Genome position (GRCh38, 1-based): chr11:76,660,067, T>C on the plus strand (A>G on the coding strand, the complement: LRRC32 is on the minus strand). VCF-style: chr11-76660067-T-C. GRCh37 (hg19) VCF-style: chr11-76371111-T-C.
Other names: c.1526A>G, p.Asp509Gly (NM_001370187.1, NM_001370188.1, NM_005512.3); c.1460A>G, p.Asp487Gly (NM_001370189.1); c.1196A>G, p.Asp399Gly (NM_001370190.1); c.85-2033A>G (NM_001370191.1); short protein forms D399G, D487G, D509G.
Identifiers: ClinVar variation 5039011 (VCV005039011.1).

ClinVar aggregate classification (germline): Uncertain significance (1 of 4 stars; one submission).

Submission:

CeGaT Center for Human Genetics Tuebingen
Classification: Uncertain significance. Last evaluated: 2026-07-01. Review status: criteria provided, single submitter. Criteria: CeGaT Center For Human Genetics Tuebingen Variant Classification Criteria Version 2. Collection method: clinical testing. Allele origin: germline. Affected: yes. Observed: 1 variant allele.
Comment: LRRC32: PM2, BP4